The following is an entry in ClinVar:

ClinVar aggregate classification (germline): Likely pathogenic (1 of 4 stars; one submission).

Conditions:
Aortic valve disease 2 (AOVD2). Identifiers: MedGen C3542024, MONDO:0013902, OMIM 614823.

Submission:

MVZ Medizinische Genetik Mainz
Classification: Likely pathogenic for Aortic valve disease 2. Last evaluated: 2024-09-19. Review status: criteria provided, single submitter. Criteria: UK Practice Guidelines For Variant Classification V4 01 2020. Collection method: clinical testing. Allele origin: germline. Inheritance: Autosomal dominant inheritance. Affected: yes. Observed: 1 variant allele.
Comment: ACMG Criteria: PVS1,PM2_SUP

NM_005585.5(SMAD6):c.691del (p.Arg231fs)

Gene: SMAD6 (SMAD family member 6; plus strand). Cytogenetic location: 15q22.31.
Variant type: Deletion.
Coding change: c.691del on transcript NM_005585.5 (MANE Select); coding-DNA position 691, one base deleted (C; older notation c.691delC).
Protein change: p.Arg231fs; shifts the reading frame from arginine 231.
Molecular consequence: frameshift variant. On other transcripts: non-coding transcript variant (1).
Genome position (GRCh38, 1-based): chr15:66,703,949, C deleted. VCF-style (leftmost placement, unchanged base first): chr15-66703948-TC-T. GRCh37 (hg19) VCF-style: chr15-66996286-TC-T.
Other names: short protein forms R231fs.
Identifiers: ClinVar variation 3370315 (VCV003370315.1).